The following is an entry in ClinVar:

NM_000263.4(NAGLU):c.610A>G (p.Met204Val)

Gene: NAGLU (N-acetyl-alpha-glucosaminidase; plus strand). Cytogenetic location: 17q21.2.
Variant type: single nucleotide variant.
Coding change: c.610A>G on transcript NM_000263.4 (MANE Select); coding-DNA position 610, A replaced by G.
Protein change: p.Met204Val; replaces methionine 204 with valine.
Molecular consequence: missense variant.
Genome position (GRCh38, 1-based): chr17:42,538,417, A>G. VCF-style: chr17-42538417-A-G. GRCh37 (hg19) VCF-style: chr17-40690435-A-G.
Other names: short protein forms M204V.
Identifiers: ClinVar variation 1439823 (VCV001439823.6), dbSNP rs2143086735, ClinGen allele CA399598531.

ClinVar aggregate classification (germline): Uncertain significance (1 of 4 stars; one submission).

Conditions:
Mucopolysaccharidosis, MPS-III-B (MPS3B). Also called: N-ACETYL-ALPHA-D-GLUCOSAMINIDASE DEFICIENCY; NAGLU DEFICIENCY; SANFILIPPO SYNDROME B; MPS III B; MPS IIIB (Sanfilippo Syndrome Type B); MUCOPOLYSACCHARIDOSIS, TYPE IIIB. Identifiers: Orphanet 79270, MedGen C0086648, MONDO:0009656, OMIM 252920.
Charcot-Marie-Tooth disease axonal type 2V. Also called: CHARCOT-MARIE-TOOTH NEUROPATHY, TYPE 2V; CHARCOT-MARIE-TOOTH DISEASE, AXONAL, AUTOSOMAL DOMINANT, TYPE 2V. Identifiers: Orphanet 447964, MedGen C5569050, MONDO:0014665, OMIM 616491.

Submission:

Labcorp Genetics (formerly Invitae), Labcorp
Classification: Uncertain significance for Charcot-Marie-Tooth disease axonal type 2V; Mucopolysaccharidosis, MPS-III-B. Last evaluated: 2024-10-07. Review status: criteria provided, single submitter. Criteria: Invitae Variant Classification Sherloc (09022015). Collection method: clinical testing. Allele origin: germline.
Comment: This sequence change replaces methionine, which is neutral and non-polar, with valine, which is neutral and non-polar, at codon 204 of the NAGLU protein (p.Met204Val). This variant is not present in population databases (gnomAD no frequency). This variant has not been reported in the literature in individuals affected with NAGLU-related conditions. ClinVar contains an entry for this variant (Variation ID: 1439823). Invitae Evidence Modeling of protein sequence and biophysical properties (such as structural, functional, and spatial information, amino acid conservation, physicochemical variation, residue mobility, and thermodynamic stability) indicates that this missense variant is expected to disrupt NAGLU protein function with a positive predictive value of 95%. In summary, the available evidence is currently insufficient to determine the role of this variant in disease. Therefore, it has been classified as a Variant of Uncertain Significance.